The following is an entry in ClinVar:

NM_006231.4(POLE):c.4396G>C (p.Glu1466Gln)

Gene: POLE (DNA polymerase epsilon, catalytic subunit; minus strand). Cytogenetic location: 12q24.33.
Variant type: single nucleotide variant.
Coding change: c.4396G>C on transcript NM_006231.4 (MANE Select); coding-DNA position 4396, G replaced by C.
Protein change: p.Glu1466Gln; replaces glutamic acid 1466 with glutamine.
Molecular consequence: missense variant.
Genome position (GRCh38, 1-based): chr12:132,643,455, C>G on the plus strand (G>C on the coding strand, the complement: POLE is on the minus strand). VCF-style: chr12-132643455-C-G. GRCh37 (hg19) VCF-style: chr12-133220041-C-G.
Other names: short protein forms E1466Q.
Identifiers: ClinVar variation 540708 (VCV000540708.13), dbSNP rs1258004616, ClinGen allele CA387381130.

ClinVar aggregate classification (germline): Conflicting classifications of pathogenicity. Review status: criteria provided, conflicting classifications (1 of 4 stars). 3 submissions from 3 submitters: Uncertain significance (2); Likely benign (1). Last evaluated 2026-01-18.

Conditions:
Hereditary cancer-predisposing syndrome. Also called: Neoplastic Syndromes, Hereditary; Hereditary Cancer Syndrome; Hereditary neoplastic syndrome; Tumor predisposition. Identifiers: Orphanet 140162, MedGen C0027672, MeSH D009386, MONDO:0015356.

Allele frequency attached by ClinVar (database versions not stated): gnomAD exomes below 0.00001 and 0.00001; TOPMed below 0.00001; gnomAD 0.00001.

Submissions (3):

Labcorp Genetics (formerly Invitae), Labcorp
Classification: Uncertain significance. Last evaluated: 2026-01-18. Review status: criteria provided, single submitter. Criteria: Invitae Variant Classification Sherloc (09022015). Collection method: clinical testing. Allele origin: germline.
Comment: This sequence change replaces glutamic acid, which is acidic and polar, with glutamine, which is neutral and polar, at codon 1466 of the POLE protein (p.Glu1466Gln). This variant is present in population databases (no rsID available, gnomAD 0.02%). This variant has not been reported in the literature in individuals affected with POLE-related conditions. ClinVar contains an entry for this variant (Variation ID: 540708). Invitae Evidence Modeling of protein sequence and biophysical properties (such as structural, functional, and spatial information, amino acid conservation, physicochemical variation, residue mobility, and thermodynamic stability) indicates that this missense variant is not expected to disrupt POLE protein function with a negative predictive value of 80%. In summary, the available evidence is currently insufficient to determine the role of this variant in disease. Therefore, it has been classified as a Variant of Uncertain Significance.

Ambry Genetics
Classification: Likely benign for Hereditary cancer-predisposing syndrome. Last evaluated: 2025-02-07. Review status: criteria provided, single submitter. Criteria: Ambry Variant Classification Scheme 2023. Collection method: clinical testing. Allele origin: germline.

GeneDx
Classification: Uncertain significance. Last evaluated: 2022-02-16. Review status: criteria provided, single submitter. Criteria: GeneDx Variant Classification Process June 2021. Collection method: clinical testing. Allele origin: germline. Affected: yes.
Comment: Not observed at significant frequency in large population cohorts (gnomAD); In silico analysis supports that this missense variant does not alter protein structure/function; Has not been previously published as pathogenic or benign to our knowledge